The following is an entry in ClinVar:

ClinVar aggregate classification (germline): Pathogenic. Review status: criteria provided, multiple submitters, no conflicts (2 of 4 stars). 2 submissions from 2 submitters: Pathogenic (2). Last evaluated 2025-09-17.

Conditions:
Citrullinemia. Identifiers: Orphanet 187, MedGen C0175683, MONDO:0015991.
Citrullinemia type I (CTNL1). Also called: ASS DEFICIENCY; argininosuccinate synthetase deficiency. Identifiers: Orphanet 247525, MedGen C4721769, MONDO:0008988, OMIM 215700.

gnomAD v4.1: 1 of 1,614,026 alleles (0.000062%); highest among the groups gnomAD compares: South Asian, 0.0011%; no homozygotes.

Submissions (2):

Natera, Inc.
Classification: Pathogenic for Citrullinemia type I. Last evaluated: 2025-09-17. Review status: criteria provided, single submitter. Criteria: Natera Variant Classification Schema (03/2026). Collection method: clinical testing. Allele origin: germline.
Comment: The c.489C>A variant in ASS1 is a nonsense variant predicted to introduce a stop codon at amino acid 163. This variant is expected to result in nonsense mediated decay, truncation, or a dysfunctional protein product. This variant is rare in the general population with a frequency below the threshold expected for the associated phenotype(s). This variant has been observed in one or more individuals affected with the associated recessive disease, as either homozygous or compound heterozygous with a second variant (PMID: 28111830). Given the available evidence, this variant is classified as Pathogenic.

Labcorp Genetics (formerly Invitae), Labcorp
Classification: Pathogenic for Citrullinemia. Last evaluated: 2020-09-25. Review status: criteria provided, single submitter. Criteria: Invitae Variant Classification Sherloc (09022015). Collection method: clinical testing. Allele origin: germline.
Comment: For these reasons, this variant has been classified as Pathogenic. Loss-of-function variants in ASS1 are known to be pathogenic (PMID: 18473344, 19006241). Algorithms developed to predict the effect of sequence changes on RNA splicing suggest that this variant may create or strengthen a splice site, but this prediction has not been confirmed by published transcriptional studies. This variant has been observed in individual(s) with citrullinemia type 1 (PMID: 28111830). This variant is present in population databases (rs377319610, ExAC 0.006%). This sequence change creates a premature translational stop signal (p.Tyr163*) in the ASS1 gene. It is expected to result in an absent or disrupted protein product.

Literature cited by the submitters: PubMed 28111830 (cited by Natera, Inc. and Labcorp Genetics (formerly Invitae), Labcorp); PubMed 18473344 (cited by Labcorp Genetics (formerly Invitae), Labcorp); PubMed 19006241 (cited by Labcorp Genetics (formerly Invitae), Labcorp).

NM_054012.4(ASS1):c.489C>A (p.Tyr163Ter)

Gene: ASS1 (argininosuccinate synthase 1; plus strand). Cytogenetic location: 9q34.11.
Variant type: single nucleotide variant.
Coding change: c.489C>A on transcript NM_054012.4 (MANE Select); coding-DNA position 489, C replaced by A.
Protein change: p.Tyr163Ter; replaces tyrosine 163 with a stop codon.
Molecular consequence: nonsense.
Genome position (GRCh38, 1-based): chr9:130,466,793, C>A. VCF-style: chr9-130466793-C-A. GRCh37 (hg19) VCF-style: chr9-133342180-C-A.
Other names: c.489C>A, p.Tyr163Ter (NM_000050.4); short protein forms Y163*.
Identifiers: ClinVar variation 1071055 (VCV001071055.10), dbSNP rs377319610, ClinGen allele CA5283301.